The following is an entry in ClinVar:

NM_000130.5(F5):c.6551C>T (p.Thr2184Ile)

Gene: F5 (coagulation factor V; minus strand). Cytogenetic location: 1q24.2.
Variant type: single nucleotide variant.
Coding change: c.6551C>T on transcript NM_000130.5 (MANE Select); coding-DNA position 6551, C replaced by T.
Protein change: p.Thr2184Ile; replaces threonine 2184 with isoleucine.
Molecular consequence: missense variant.
Genome position (GRCh38, 1-based): chr1:169,514,437, G>A on the plus strand (C>T on the coding strand, the complement: F5 is on the minus strand). VCF-style: chr1-169514437-G-A. GRCh37 (hg19) VCF-style: chr1-169483675-G-A.
Other names: short protein forms T2184I.
Identifiers: ClinVar variation 2632557 (VCV002632557.1), dbSNP rs2526327566, ClinGen allele CA343117699.

ClinVar aggregate classification (germline): Uncertain significance (1 of 4 stars; one submission).

Conditions:
F5-related disorder. Also called: F5-related condition.

Submission:

PreventionGenetics, part of Exact Sciences
Classification: Uncertain significance for F5-related condition. Last evaluated: 2023-06-22. Review status: criteria provided, single submitter. Criteria: ACMG Guidelines, 2015. Collection method: clinical testing. Allele origin: germline.
Comment: The F5 c.6551C>T variant is predicted to result in the amino acid substitution p.Thr2184Ile. To our knowledge, this variant has not been reported in the literature or in a large population database, indicating this variant is rare. At this time, the clinical significance of this variant is uncertain due to the absence of conclusive functional and genetic evidence.